The following is an entry in ClinVar:

NM_004006.3(DMD):c.6913-11_6918del

Gene: DMD (dystrophin; minus strand). Cytogenetic location: Xp21.1.
Variant type: Deletion.
Coding change: c.6913-11_6918del on transcript NM_004006.3 (MANE Select); 11 bases into the intron before coding-DNA position 6913 through coding-DNA position 6918, 17 bases deleted (TTTCCTTTCAGGTTTCC).
Molecular consequence: splice acceptor variant.
Genome position (GRCh38, 1-based): chrX:31,875,368-31,875,384, GGAAACCTGAAAGGAAA deleted on the plus strand (TTTCCTTTCAGGTTTCC on the coding strand, the reverse complement: DMD is on the minus strand). VCF-style (leftmost placement, unchanged base first): chrX-31875367-TGGAAACCTGAAAGGAAA-T. GRCh37 (hg19) VCF-style: chrX-31893484-TGGAAACCTGAAAGGAAA-T.
Other names: c.6889-11_6894del (NM_000109.4); c.2890-11_2895del (NM_004011.4); c.2881-11_2886del (NM_004012.4); c.-468-11_-463del (NM_004023.3, NM_004020.4, NM_004022.3 and 2 more transcripts); c.6901-11_6906del (NM_004009.3); c.6544-11_6549del (NM_004010.3); c.6913-11_6918delTTTCCTTTCAGGTTTCC (NM_004006.2).
Identifiers: ClinVar variation 455926 (VCV000455926.10), dbSNP rs1556962571, ClinGen allele CA658658947.

ClinVar aggregate classification (germline): Likely pathogenic (1 of 4 stars; one submission).

Conditions:
Duchenne muscular dystrophy (DMD). Also called: MUSCULAR DYSTROPHY, PSEUDOHYPERTROPHIC PROGRESSIVE, DUCHENNE TYPE; Duchenne Muscular Dystrophy (DMD). Identifiers: Orphanet 98896, MedGen C0013264, MONDO:0010679, OMIM 310200.

Submission:

Labcorp Genetics (formerly Invitae), Labcorp
Classification: Likely pathogenic for Duchenne muscular dystrophy. Last evaluated: 2018-08-01. Review status: criteria provided, single submitter. Criteria: Invitae Variant Classification Sherloc (09022015). Collection method: clinical testing. Allele origin: germline.
Comment: This variant is a deletion of the genomic region encompassing part of exon 48 (c.6913-11_6918del) of the DMD gene. It is expected to disrupt RNA splicing and likely results in an absent or disrupted protein product. In summary, the currently available evidence indicates that the variant is pathogenic, but additional data are needed to prove that conclusively. Therefore, this variant has been classified as Likely Pathogenic. Loss-of-function variants in DMD are known to be pathogenic (PMID: 16770791, 25007885). This variant has not been reported in the literature in individuals with DMD-related disease. ClinVar contains an entry for this variant (Variation ID: 455926). This variant is not present in population databases (ExAC no frequency).

Literature cited by the submitters: PubMed 16770791; PubMed 25007885.